The following is an entry in ClinVar:

NM_130837.3(OPA1):c.1942_1946del (p.Glu647_Leu648insTer)

Gene: OPA1 (OPA1 mitochondrial dynamin like GTPase; plus strand). Cytogenetic location: 3q29.
Variant type: Deletion.
Coding change: c.1942_1946del on transcript NM_130837.3 (MANE Select); coding-DNA positions 1942 to 1946, 5 bases deleted (CTATT; older notation c.1942_1946delCTATT).
Protein change: p.Glu647_Leu648insTer.
Molecular consequence: nonsense.
Genome position (GRCh38, 1-based): chr3:193,648,801-193,648,805, CTATT deleted. VCF-style (leftmost placement, unchanged base first): chr3-193648800-ACTATT-A. GRCh37 (hg19) VCF-style: chr3-193366589-ACTATT-A.
Other names: c.1408_1412del, p.Glu469_Leu470insTer (NM_001354663.2); c.1405_1409del, p.Glu468_Leu469insTer (NM_001354664.2); c.1777_1781del, p.Glu592_Leu593insTer (NM_015560.3); c.1669_1673del, p.Glu556_Leu557insTer (NM_130831.3); c.1723_1727del, p.Glu574_Leu575insTer (NM_130832.3); c.1780_1784del, p.Glu593_Leu594insTer (NM_130833.3); c.1831_1835del, p.Glu610_Leu611insTer (NM_130834.3); c.1834_1838del, p.Glu611_Leu612insTer (NM_130835.3); and 1 more.
Identifiers: ClinVar variation 4717431 (VCV004717431.1).

ClinVar aggregate classification (germline): Pathogenic (1 of 4 stars; one submission).

Submission:

Labcorp Genetics (formerly Invitae), Labcorp
Classification: Pathogenic. Last evaluated: 2025-04-13. Review status: criteria provided, single submitter. Criteria: Invitae Variant Classification Sherloc (09022015). Collection method: clinical testing. Allele origin: germline.
Comment: This sequence change creates a premature translational stop signal (p.Leu593*) in the OPA1 gene. It is expected to result in an absent or disrupted protein product. Loss-of-function variants in OPA1 are known to be pathogenic (PMID: 11440988, 20157015, 20952381, 25012220). This variant is not present in population databases (gnomAD no frequency). This variant has not been reported in the literature in individuals affected with OPA1-related conditions. For these reasons, this variant has been classified as Pathogenic.

Literature cited by the submitters: PubMed 11440988; PubMed 20157015; PubMed 20952381; PubMed 25012220.